The following is an entry in ClinVar:

NM_001244008.2(KIF1A):c.386G>A (p.Arg129Gln)

Gene: KIF1A (kinesin family member 1A; minus strand). Cytogenetic location: 2q37.3.
Variant type: single nucleotide variant.
Coding change: c.386G>A on transcript NM_001244008.2 (MANE Select); coding-DNA position 386, G replaced by A.
Protein change: p.Arg129Gln; replaces arginine 129 with glutamine.
Molecular consequence: missense variant.
Genome position (GRCh38, 1-based): chr2:240,787,294, C>T on the plus strand (G>A on the coding strand, the complement: KIF1A is on the minus strand). VCF-style: chr2-240787294-C-T. GRCh37 (hg19) VCF-style: chr2-241726711-C-T.
Other names: c.386G>A, p.Arg129Gln (NM_001320705.2, NM_001330289.2, NM_001330290.2 and 20 more transcripts); short protein forms R129Q.
Identifiers: ClinVar variation 3763968 (VCV003763968.2).

ClinVar aggregate classification (germline): Uncertain significance (1 of 4 stars; one submission).

Conditions:
Neuropathy, hereditary sensory, type 2C. Also called: KIF1A-Related HSAN2 (HSAN2C); Hereditary sensory and autonomic neuropathy type IIC. Identifiers: Orphanet 970, MedGen C3280168, MONDO:0013634, OMIM 614213.
Hereditary spastic paraplegia 30. Identifiers: Orphanet 101010, MedGen C5235139, MONDO:0012476.
Intellectual disability, autosomal dominant 9 (NESCAVS). Also called: KIF1A-Related Neurodevelopmental Disorder; NESCAV SYNDROME. Identifiers: Orphanet 662367, MedGen C5393830, MONDO:0013656, OMIM 614255.

Submission:

Labcorp Genetics (formerly Invitae), Labcorp
Classification: Uncertain significance for Hereditary spastic paraplegia 30; Neuropathy, hereditary sensory, type 2C; Intellectual disability, autosomal dominant 9. Last evaluated: 2024-02-23. Review status: criteria provided, single submitter. Criteria: Invitae Variant Classification Sherloc (09022015). Collection method: clinical testing. Allele origin: germline.
Comment: This sequence change replaces arginine, which is basic and polar, with glutamine, which is neutral and polar, at codon 129 of the KIF1A protein (p.Arg129Gln). This variant is not present in population databases (gnomAD no frequency). This variant has not been reported in the literature in individuals affected with KIF1A-related conditions. Advanced modeling of protein sequence and biophysical properties (such as structural, functional, and spatial information, amino acid conservation, physicochemical variation, residue mobility, and thermodynamic stability) performed at Invitae indicates that this missense variant is expected to disrupt KIF1A protein function with a positive predictive value of 95%. In summary, the available evidence is currently insufficient to determine the role of this variant in disease. Therefore, it has been classified as a Variant of Uncertain Significance.